The following is an entry in ClinVar:

NM_005732.4(RAD50):c.73A>G (p.Ile25Val)

Gene: RAD50 (RAD50 double strand break repair protein; plus strand). Cytogenetic location: 5q31.1.
Variant type: single nucleotide variant.
Coding change: c.73A>G on transcript NM_005732.4 (MANE Select); coding-DNA position 73, A replaced by G.
Protein change: p.Ile25Val; replaces isoleucine 25 with valine.
Molecular consequence: missense variant.
Genome position (GRCh38, 1-based): chr5:132,557,397, A>G. VCF-style: chr5-132557397-A-G. GRCh37 (hg19) VCF-style: chr5-131893089-A-G.
Other names: short protein forms I25V.
Identifiers: ClinVar variation 577090 (VCV000577090.11), dbSNP rs1561627016, ClinGen allele CA360951388.

ClinVar aggregate classification (germline): Uncertain significance. Review status: criteria provided, multiple submitters, no conflicts (2 of 4 stars). 2 submissions from 2 submitters: Uncertain significance (2). Last evaluated 2022-07-25.

Conditions:
Hereditary cancer-predisposing syndrome. Also called: Tumor predisposition; Hereditary neoplastic syndrome; Hereditary Cancer Syndrome; Neoplastic Syndromes, Hereditary. Identifiers: Orphanet 140162, MedGen C0027672, MeSH D009386, MONDO:0015356.

Submissions (2):

Labcorp Genetics (formerly Invitae), Labcorp
Classification: Uncertain significance for Hereditary cancer-predisposing syndrome. Last evaluated: 2022-07-25. Review status: criteria provided, single submitter. Criteria: Invitae Variant Classification Sherloc (09022015). Collection method: clinical testing. Allele origin: germline.
Comment: In summary, the available evidence is currently insufficient to determine the role of this variant in disease. Therefore, it has been classified as a Variant of Uncertain Significance. Algorithms developed to predict the effect of missense changes on protein structure and function are either unavailable or do not agree on the potential impact of this missense change (SIFT: "Deleterious"; PolyPhen-2: "Benign"; Align-GVGD: "Class C0"). ClinVar contains an entry for this variant (Variation ID: 577090). This variant has not been reported in the literature in individuals affected with RAD50-related conditions. This variant is not present in population databases (gnomAD no frequency). This sequence change replaces isoleucine, which is neutral and non-polar, with valine, which is neutral and non-polar, at codon 25 of the RAD50 protein (p.Ile25Val).

Ambry Genetics
Classification: Uncertain significance for Hereditary cancer-predisposing syndrome. Last evaluated: 2021-07-15. Review status: criteria provided, single submitter. Criteria: Ambry Variant Classification Scheme 2023. Collection method: clinical testing. Allele origin: germline.
Comment: The p.I25V variant (also known as c.73A>G), located in coding exon 1 of the RAD50 gene, results from an A to G substitution at nucleotide position 73. The isoleucine at codon 25 is replaced by valine, an amino acid with highly similar properties. This amino acid position is conserved. In addition, this alteration is predicted to be tolerated by in silico analysis. Since supporting evidence is limited at this time, the clinical significance of this alteration remains unclear.